The following is an entry in ClinVar:

NM_182978.4(GNAL):c.89C>G (p.Ala30Gly)

Gene: GNAL (G protein subunit alpha L; plus strand). Cytogenetic location: 18p11.21.
Variant type: single nucleotide variant.
Coding change: c.89C>G on transcript NM_182978.4 (MANE Select); coding-DNA position 89, C replaced by G.
Protein change: p.Ala30Gly; replaces alanine 30 with glycine.
Molecular consequence: missense variant.
Genome position (GRCh38, 1-based): chr18:11,689,652, C>G. VCF-style: chr18-11689652-C-G. GRCh37 (hg19) VCF-style: chr18-11689651-C-G.
Other names: short protein forms A30G.
Identifiers: ClinVar variation 4873740 (VCV004873740.2).

ClinVar aggregate classification (germline): Uncertain significance (1 of 4 stars; one submission).

gnomAD v4.1: 4 of 1,400,340 alleles (0.00029%); highest among the groups gnomAD compares: Non-Finnish European, 0.00037%; no homozygotes.

Submission:

CeGaT Center for Human Genetics Tuebingen
Classification: Uncertain significance. Last evaluated: 2026-04-01. Review status: criteria provided, single submitter. Criteria: CeGaT Center For Human Genetics Tuebingen Variant Classification Criteria Version 2. Collection method: clinical testing. Allele origin: germline. Affected: yes. Observed: 1 variant allele.
Comment: GNAL: PM2